The following is an entry in ClinVar:

NM_001080421.3(UNC13A):c.4674G>A (p.Lys1558=)

Gene: UNC13A (unc-13 homolog A; minus strand). Cytogenetic location: 19p13.11.
Variant type: single nucleotide variant.
Coding change: c.4674G>A on transcript NM_001080421.3 (MANE Select); coding-DNA position 4674, G replaced by A.
Protein change: p.Lys1558=; no amino-acid change (lysine 1558 retained).
Molecular consequence: synonymous variant.
Genome position (GRCh38, 1-based): chr19:17,610,077, C>T on the plus strand (G>A on the coding strand, the complement: UNC13A is on the minus strand). VCF-style: chr19-17610077-C-T. GRCh37 (hg19) VCF-style: chr19-17720886-C-T.
Other names: c.4662G>A, p.Lys1554= (NM_001387021.1); c.4659G>A, p.Lys1553= (NM_001387022.1); c.4593G>A, p.Lys1531= (NM_001387023.1).
Identifiers: ClinVar variation 3054896 (VCV003054896.2), dbSNP rs750388459, ClinGen allele CA9297575.

ClinVar aggregate classification (germline): Likely benign (0 of 4 stars; one submission).

Conditions:
UNC13A-related disorder. Also called: UNC13A-related condition.

Allele frequency attached by ClinVar (database versions not stated): ExAC 0.00002; gnomAD 0.00003; TOPMed 0.00003; gnomAD exomes 0.00007.
gnomAD v4.1: 109 of 1,613,942 alleles (0.0068%); highest among the groups gnomAD compares: Non-Finnish European, 0.0088%; no homozygotes.

Submission:

PreventionGenetics, part of Exact Sciences
Classification: Likely benign for UNC13A-related condition. Last evaluated: 2023-02-21. Review status: no assertion criteria provided. Collection method: clinical testing. Allele origin: germline.
Comment: This variant is classified as likely benign based on ACMG/AMP sequence variant interpretation guidelines (Richards et al. 2015 PMID: 25741868, with internal and published modifications).